The following is an entry in ClinVar:

ClinVar aggregate classification (germline): Uncertain significance (1 of 4 stars; one submission).

Allele frequency attached by ClinVar (database versions not stated): TOPMed below 0.00001.
gnomAD v4.1: 17 of 1,613,932 alleles (0.0011%); highest among the groups gnomAD compares: Non-Finnish European, 0.0014%; no homozygotes.

Submission:

Labcorp Genetics (formerly Invitae), Labcorp
Classification: Uncertain significance. Last evaluated: 2023-07-31. Review status: criteria provided, single submitter. Criteria: Invitae Variant Classification Sherloc (09022015). Collection method: clinical testing. Allele origin: germline.
Comment: In summary, the available evidence is currently insufficient to determine the role of this variant in disease. Therefore, it has been classified as a Variant of Uncertain Significance. An algorithm developed to predict the effect of missense changes on protein structure and function (PolyPhen-2) suggests that this variant is likely to be tolerated. ClinVar contains an entry for this variant (Variation ID: 1483124). This variant has not been reported in the literature in individuals affected with KMT2E-related conditions. This variant is present in population databases (rs777282199, gnomAD 0.0009%). This sequence change replaces glutamine, which is neutral and polar, with proline, which is neutral and non-polar, at codon 1571 of the KMT2E protein (p.Gln1571Pro).

NM_182931.3(KMT2E):c.4712A>C (p.Gln1571Pro)

Gene: KMT2E (lysine methyltransferase 2E (inactive); plus strand). Cytogenetic location: 7q22.3.
Variant type: single nucleotide variant.
Coding change: c.4712A>C on transcript NM_182931.3 (MANE Select); coding-DNA position 4712, A replaced by C.
Protein change: p.Gln1571Pro; replaces glutamine 1571 with proline.
Molecular consequence: missense variant.
Genome position (GRCh38, 1-based): chr7:105,112,468, A>C. VCF-style: chr7-105112468-A-C. GRCh37 (hg19) VCF-style: chr7-104752915-A-C.
Other names: c.4712A>C, p.Gln1571Pro (NM_018682.4); short protein forms Q1571P.
Identifiers: ClinVar variation 1483124 (VCV001483124.6), dbSNP rs777282199, ClinGen allele CA4424815.